The following is an entry in ClinVar:

ClinVar aggregate classification (germline): Uncertain significance. Review status: criteria provided, multiple submitters, no conflicts (2 of 4 stars). 5 submissions from 5 submitters: Uncertain significance (5). Last evaluated 2025-07-20.

Conditions:
Inborn genetic diseases. Identifiers: MedGen C0950123, MeSH D030342.
Myopathy, centronuclear, 2 (CNM2). Also called: MYOTUBULAR MYOPATHY, AUTOSOMAL RECESSIVE. Identifiers: Orphanet 169186, MedGen CN031787, MONDO:0009709, OMIM 255200.

Allele frequency attached by ClinVar (database versions not stated): gnomAD exomes 0.00016 and 0.00003; gnomAD 0.00003; ESP Exome Variant Server 0.00008; TOPMed 0.00005.
gnomAD v4.1: 221 of 1,551,286 alleles (0.014%); highest among the groups gnomAD compares: Non-Finnish European, 0.018%; no homozygotes.

Submissions (5):

Labcorp Genetics (formerly Invitae), Labcorp
Classification: Uncertain significance for Myopathy, centronuclear, 2. Last evaluated: 2025-07-20. Review status: criteria provided, single submitter. Criteria: Invitae Variant Classification Sherloc (09022015). Collection method: clinical testing. Allele origin: germline.
Comment: This sequence change replaces serine, which is neutral and polar, with leucine, which is neutral and non-polar, at codon 385 of the BIN1 protein (p.Ser385Leu). This variant is present in population databases (rs368616652, gnomAD 0.007%). This variant has not been reported in the literature in individuals affected with BIN1-related conditions. ClinVar contains an entry for this variant (Variation ID: 284019). An algorithm developed to predict the effect of missense changes on protein structure and function (PolyPhen-2) suggests that this variant is likely to be tolerated. In summary, the available evidence is currently insufficient to determine the role of this variant in disease. Therefore, it has been classified as a Variant of Uncertain Significance.

GeneDx
Classification: Uncertain significance. Last evaluated: 2025-05-07. Review status: criteria provided, single submitter. Criteria: GeneDx Variant Classification Process June 2021. Collection method: clinical testing. Allele origin: germline. Affected: yes.
Comment: In silico analysis suggests that this missense variant does not alter protein structure/function; Has not been previously published as pathogenic or benign to our knowledge

Ambry Genetics
Classification: Uncertain significance for Inborn genetic diseases. Last evaluated: 2024-02-28. Review status: criteria provided, single submitter. Criteria: Ambry Variant Classification Scheme 2023. Collection method: clinical testing. Allele origin: germline.

Revvity Omics, Revvity
Classification: Uncertain significance for Myopathy, centronuclear, 2. Last evaluated: 2021-08-27. Review status: criteria provided, single submitter. Criteria: ACMG Guidelines, 2015. Collection method: clinical testing. Allele origin: germline.

Eurofins Ntd Llc (ga)
Classification: Uncertain significance. Last evaluated: 2015-10-13. Review status: criteria provided, single submitter. Criteria: EGL Classification Definitions 2015. Collection method: clinical testing. Allele origin: germline. Observed: 1 variant allele, 1 heterozygote.

NM_139343.3(BIN1):c.1154C>T (p.Ser385Leu)

Gene: BIN1 (bridging integrator 1; minus strand). Cytogenetic location: 2q14.3.
Variant type: single nucleotide variant.
Coding change: c.1154C>T on transcript NM_139343.3 (MANE Select); coding-DNA position 1154, C replaced by T.
Protein change: p.Ser385Leu; replaces serine 385 with leucine.
Molecular consequence: missense variant. On other transcripts: intron variant (12).
Genome position (GRCh38, 1-based): chr2:127,053,990, G>A on the plus strand (C>T on the coding strand, the complement: BIN1 is on the minus strand). VCF-style: chr2-127053990-G-A. GRCh37 (hg19) VCF-style: chr2-127811566-G-A.
Other names: c.1061C>T, p.Ser354Leu (NM_001320641.2); c.1073C>T, p.Ser358Leu (NM_001320642.1); c.1025C>T, p.Ser342Leu (NM_139344.3); c.838-3078C>T (NM_001320634.1); c.910-3078C>T (NM_139351.3); c.910-2747C>T (NM_139350.3); c.910-1628C>T (NM_139349.3); c.1039-2747C>T (NM_139348.3); and 7 more; short protein forms S385L, S342L, S354L, S358L.
Identifiers: ClinVar variation 284019 (VCV000284019.20), dbSNP rs368616652, ClinGen allele CA10604662.